The following is an entry in ClinVar:

NM_001165963.4(SCN1A):c.4243T>A (p.Phe1415Ile)

Genes: SCN1A (sodium voltage-gated channel alpha subunit 1; minus strand), LOC102724058 (uncharacterized LOC102724058; plus strand). Cytogenetic location: 2q24.3.
Variant type: single nucleotide variant.
Coding change: c.4243T>A on transcript NM_001165963.4 (MANE Select); coding-DNA position 4243, T replaced by A.
Protein change: p.Phe1415Ile; replaces phenylalanine 1415 with isoleucine.
Molecular consequence: missense variant. On other transcripts: non-coding transcript variant (1).
Genome position (GRCh38, 1-based): chr2:166,002,513, A>T on the plus strand (T>A on the coding strand, the complement: SCN1A is on the minus strand). VCF-style: chr2-166002513-A-T. GRCh37 (hg19) VCF-style: chr2-166859023-A-T.
Other names: c.4210T>A, p.Phe1404Ile (NM_001353952.2, NM_006920.6, NM_001353949.2 and 2 more transcripts); c.4207T>A, p.Phe1403Ile (NM_001353954.2, NM_001353955.2); c.4159T>A, p.Phe1387Ile (NM_001353957.2, NM_001353958.2, NM_001165964.3); c.4156T>A, p.Phe1386Ile (NM_001353960.2); c.1801T>A, p.Phe601Ile (NM_001353961.2); c.4243T>A, p.Phe1415Ile (NM_001202435.3, NM_001353948.2); short protein forms F1386I, F1387I, F1403I, F1404I, F1415I, F601I.
Identifiers: ClinVar variation 3067140 (VCV003067140.2), dbSNP rs2468433984, ClinGen allele CA349049950.
Genomic context (GRCh38, chr2:166,002,513, plus strand): 5'-GAAAATAGTGTTCACTTACAACTTGAAGCAAAGAGAGATACCCAAATCCTACATTATCAA[A>T]GTTTACTTTCACATTTTTCCATCGAGCAGTCTCATTTCTTTCTATTAGTTTTAGGCAATC-3'
Protein context (NP_001159435.1, residues 1405-1425): TARWKNVKVN[Phe1415Ile]DNVGFGYLSL

Conditions:
Severe myoclonic epilepsy in infancy (DRVT). Also called: Epileptic encephalopathy, early infantile, 6 (Dravet syndrome); Dravet syndrome; SEVERE MYOCLONIC EPILEPSY OF INFANCY; DEVELOPMENTAL AND EPILEPTIC ENCEPHALOPATHY 6A; Severe Myoclonic Epilepsy in Infancy (SMEI). Identifiers: Orphanet 33069, MedGen C0751122, MONDO:0100135, OMIM 607208.

Submission:

Channelopathy-Associated Epilepsy Research Center
No classification provided (evidence only). Condition: Severe myoclonic epilepsy in infancy. Review status: no classification provided. Collection method: literature only. Allele origin: not applicable. Functional consequence: Increase in peak current, Moderate depolarizing shift of voltage dependence of fast inactivation, Overall gain-of-function.
ClinVar note: "not provided" was previously submitted as the classification for the variant. However, the classification appeared to be based only on an observation of functional data so it was converted to no classification on 2025-07-30.

Literature cited by the submitters: PubMed 23773995.